The following is an entry in ClinVar:

ClinVar aggregate classification (germline): Conflicting classifications of pathogenicity. Review status: criteria provided, conflicting classifications (1 of 4 stars). 7 submissions from 7 submitters: Uncertain significance (3); Benign (1); Likely benign (3). Last evaluated 2026-01-09.

Conditions:
Hereditary cancer-predisposing syndrome. Also called: Tumor predisposition; Hereditary Cancer Syndrome; Neoplastic Syndromes, Hereditary; Hereditary neoplastic syndrome. Identifiers: Orphanet 140162, MedGen C0027672, MeSH D009386, MONDO:0015356.
Tuberous sclerosis 2 (TSC2). Identifiers: Orphanet 805, MedGen C1860707, MONDO:0013199, OMIM 613254.
Tuberous sclerosis syndrome (TSC). Also called: Tuberous Sclerosis Complex; Tuberous sclerosis. Identifiers: Orphanet 805, MedGen C0041341, MONDO:0001734.

Allele frequency attached by ClinVar (database versions not stated): TOPMed 0.00002; gnomAD exomes below 0.00001 and 0.00002; gnomAD 0.00001.
gnomAD v4.1: 26 of 1,596,548 alleles (0.0016%); highest among the groups gnomAD compares: African/African-American, 0.0027%; no homozygotes.

Submissions (7):

Labcorp Genetics (formerly Invitae), Labcorp
Classification: Benign for Tuberous sclerosis 2. Last evaluated: 2026-01-09. Review status: criteria provided, single submitter. Criteria: Invitae Variant Classification Sherloc (09022015). Collection method: clinical testing. Allele origin: germline.

Quest Diagnostics Nichols Institute San Juan Capistrano
Classification: Uncertain significance. Last evaluated: 2025-08-27. Review status: criteria provided, single submitter. Criteria: Quest Diagnostics criteria. Collection method: clinical testing. Allele origin: unknown.

All of Us Research Program, National Institutes of Health
Classification: Uncertain significance for Tuberous sclerosis syndrome. Last evaluated: 2024-06-07. Review status: criteria provided, single submitter. Criteria: ACMG Guidelines, 2015. Collection method: clinical testing. Allele origin: germline. Inheritance: Autosomal dominant inheritance. Observed: 4 variant alleles, 4 heterozygotes.
Comment: This missense variant replaces serine with proline at codon 683 of the TSC2 protein. Computational prediction is inconclusive regarding the impact of this variant on protein structure and function (internally defined REVEL score threshold 0.5 < inconclusive < 0.7, PMID: 27666373). To our knowledge, functional studies have not been reported for this variant. This variant has not been reported in individuals affected with tuberous sclerosis complex in the literature. This variant has been identified in 1/213700 chromosomes in the general population by the Genome Aggregation Database (gnomAD). The available evidence is insufficient to determine the role of this variant in disease conclusively. Therefore, this variant is classified as a Variant of Uncertain Significance.

This study involves interpretation of variants in research participants for the purpose of population health screening. Participant phenotype was not available at the time of variant classification. Additional details can be found in publication PMID: 35346344, PMCID: PMC8962531

Color Diagnostics, LLC DBA Color Health
Classification: Uncertain significance for Tuberous sclerosis syndrome. Last evaluated: 2024-03-06. Review status: criteria provided, single submitter. Criteria: ACMG Guidelines, 2015. Collection method: clinical testing. Allele origin: germline.
Comment: This missense variant replaces serine with proline at codon 683 of the TSC2 protein. Computational prediction is inconclusive regarding the impact of this variant on protein structure and function (internally defined REVEL score threshold 0.5 < inconclusive < 0.7, PMID: 27666373). To our knowledge, functional studies have not been reported for this variant. This variant has not been reported in individuals affected with tuberous sclerosis complex in the literature. This variant has been identified in 1/213700 chromosomes in the general population by the Genome Aggregation Database (gnomAD). The available evidence is insufficient to determine the role of this variant in disease conclusively. Therefore, this variant is classified as a Variant of Uncertain Significance.

CeGaT Center for Human Genetics Tuebingen
Classification: Likely benign. Last evaluated: 2023-05-01. Review status: criteria provided, single submitter. Criteria: CeGaT Center For Human Genetics Tuebingen Variant Classification Criteria Version 2. Collection method: clinical testing. Allele origin: germline. Affected: yes. Observed: 1 variant allele.
Comment: TSC2: BP4

Ambry Genetics
Classification: Likely benign for Hereditary cancer-predisposing syndrome. Last evaluated: 2022-09-14. Review status: criteria provided, single submitter. Criteria: Ambry Variant Classification Scheme 2023. Collection method: clinical testing. Allele origin: germline.

Genome-Nilou Lab
Classification: Likely benign for Tuberous sclerosis 2. Last evaluated: 2021-11-07. Review status: criteria provided, single submitter. Criteria: ACMG Guidelines, 2015. Collection method: clinical testing. Allele origin: germline. Affected: no.

NM_000548.5(TSC2):c.2047T>C (p.Ser683Pro)

Gene: TSC2 (TSC complex subunit 2; plus strand). Cytogenetic location: 16p13.3.
Variant type: single nucleotide variant.
Coding change: c.2047T>C on transcript NM_000548.5 (MANE Select); coding-DNA position 2047, T replaced by C.
Protein change: p.Ser683Pro; replaces serine 683 with proline.
Molecular consequence: missense variant.
Genome position (GRCh38, 1-based): chr16:2,071,884, T>C. VCF-style: chr16-2071884-T-C. GRCh37 (hg19) VCF-style: chr16-2121885-T-C.
Other names: c.2047T>C, p.Ser683Pro (NM_001077183.3, NM_001114382.3, NM_001363528.2 and 3 more transcripts); c.1936T>C, p.Ser646Pro (NM_001318827.2); c.1900T>C, p.Ser634Pro (NM_001318829.2); c.1447T>C, p.Ser483Pro (NM_001318831.2); c.2080T>C, p.Ser694Pro (NM_001318832.2); short protein forms S683P, S634P, S646P, S483P, S694P.
Identifiers: ClinVar variation 237979 (VCV000237979.48), dbSNP rs878854080, ClinGen allele CA10583302.